The following is an entry in ClinVar:

ClinVar aggregate classification (germline): Conflicting classifications of pathogenicity. Review status: criteria provided, conflicting classifications (1 of 4 stars). 2 submissions from 2 submitters: Uncertain significance (1); Likely benign (1). Last evaluated 2024-07-25.

Conditions:
Inborn genetic diseases. Identifiers: MedGen C0950123, MeSH D030342.

Allele frequency attached by ClinVar (database versions not stated): gnomAD 0.00001; TOPMed 0.00002.
gnomAD v4.1: 9 of 1,613,906 alleles (0.00056%); highest among the groups gnomAD compares: Non-Finnish European, 0.00076%; no homozygotes.

Submissions (2):

Labcorp Genetics (formerly Invitae), Labcorp
Classification: Uncertain significance. Last evaluated: 2024-07-25. Review status: criteria provided, single submitter. Criteria: Invitae Variant Classification Sherloc (09022015). Collection method: clinical testing. Allele origin: germline.
Comment: This sequence change replaces proline, which is neutral and non-polar, with serine, which is neutral and polar, at codon 2518 of the KMT2A protein (p.Pro2518Ser). This variant is present in population databases (no rsID available, gnomAD 0.002%). This variant has not been reported in the literature in individuals affected with KMT2A-related conditions. ClinVar contains an entry for this variant (Variation ID: 1939752). Advanced modeling of protein sequence and biophysical properties (such as structural, functional, and spatial information, amino acid conservation, physicochemical variation, residue mobility, and thermodynamic stability) performed at Invitae indicates that this missense variant is not expected to disrupt KMT2A protein function with a negative predictive value of 95%. In summary, the available evidence is currently insufficient to determine the role of this variant in disease. Therefore, it has been classified as a Variant of Uncertain Significance.

Ambry Genetics
Classification: Likely benign for Inborn genetic diseases. Last evaluated: 2024-02-26. Review status: criteria provided, single submitter. Criteria: Ambry Variant Classification Scheme 2023. Collection method: clinical testing. Allele origin: germline.

NM_001197104.2(KMT2A):c.7552C>T (p.Pro2518Ser)

Gene: KMT2A (lysine methyltransferase 2A; plus strand). Cytogenetic location: 11q23.3.
Variant type: single nucleotide variant.
Coding change: c.7552C>T on transcript NM_001197104.2 (MANE Select); coding-DNA position 7552, C replaced by T.
Protein change: p.Pro2518Ser; replaces proline 2518 with serine.
Molecular consequence: missense variant.
Genome position (GRCh38, 1-based): chr11:118,503,444, C>T. VCF-style: chr11-118503444-C-T. GRCh37 (hg19) VCF-style: chr11-118374159-C-T.
Other names: c.7642C>T, p.Pro2548Ser (NM_001412597.1); c.7543C>T, p.Pro2515Ser (NM_005933.4); short protein forms P2515S, P2548S, P2518S.
Identifiers: ClinVar variation 1939752 (VCV001939752.6), dbSNP rs979762842, ClinGen allele CA229526907.
Genomic context (GRCh38, chr11:118,503,444, plus strand): 5'-CCAGGAGTCCCCAAAGCTCCACCCATGCAAGTAGAAGGATCTGCCAAGGAATTACAGGCA[C>T]CACGGAAACGCACAGTCAAAGTGACACTGACACCTCTAAAAATGGAAAATGAGAGTCAAT-3'
Protein context (NP_001184033.1, residues 2508-2528): VEGSAKELQA[Pro2518Ser]RKRTVKVTLT